The following is an entry in ClinVar:

ClinVar aggregate classification (germline): Conflicting classifications of pathogenicity. Review status: criteria provided, conflicting classifications (1 of 4 stars). 3 submissions from 3 submitters: Uncertain significance (2); Likely benign (1). Last evaluated 2025-05-13.

Conditions:
Hereditary cancer-predisposing syndrome. Also called: Tumor predisposition; Neoplastic Syndromes, Hereditary; Hereditary Cancer Syndrome; Hereditary neoplastic syndrome. Identifiers: Orphanet 140162, MedGen C0027672, MeSH D009386, MONDO:0015356.
Fanconi anemia complementation group O. Also called: RAD51C-Related Fanconi Anemia. Identifiers: Orphanet 84, MedGen C3150653, MONDO:0013248, OMIM 613390.

Allele frequency attached by ClinVar (database versions not stated): gnomAD exomes below 0.00001; ExAC 0.00001.

Submissions (3):

Color Diagnostics, LLC DBA Color Health
Classification: Likely benign for Hereditary cancer-predisposing syndrome. Last evaluated: 2025-05-13. Review status: criteria provided, single submitter. Criteria: ACMG Guidelines, 2015. Collection method: clinical testing. Allele origin: germline.

Labcorp Genetics (formerly Invitae), Labcorp
Classification: Uncertain significance for Fanconi anemia complementation group O. Last evaluated: 2024-08-11. Review status: criteria provided, single submitter. Criteria: Invitae Variant Classification Sherloc (09022015). Collection method: clinical testing. Allele origin: germline.
Comment: This sequence change replaces proline, which is neutral and non-polar, with alanine, which is neutral and non-polar, at codon 21 of the RAD51C protein (p.Pro21Ala). This variant is present in population databases (rs752608224, gnomAD 0.003%). This variant has not been reported in the literature in individuals affected with RAD51C-related conditions. ClinVar contains an entry for this variant (Variation ID: 471447). Advanced modeling of protein sequence and biophysical properties (such as structural, functional, and spatial information, amino acid conservation, physicochemical variation, residue mobility, and thermodynamic stability) performed at Invitae indicates that this missense variant is not expected to disrupt RAD51C protein function with a negative predictive value of 80%. In summary, the available evidence is currently insufficient to determine the role of this variant in disease. Therefore, it has been classified as a Variant of Uncertain Significance.

Ambry Genetics
Classification: Uncertain significance for Hereditary cancer-predisposing syndrome. Last evaluated: 2021-09-04. Review status: criteria provided, single submitter. Criteria: Ambry Variant Classification Scheme 2023. Collection method: clinical testing. Allele origin: germline.
Comment: The p.P21A variant (also known as c.61C>G), located in coding exon 1 of the RAD51C gene, results from a C to G substitution at nucleotide position 61. The proline at codon 21 is replaced by alanine, an amino acid with highly similar properties. This amino acid position is conserved. In addition, this alteration is predicted to be tolerated by in silico analysis. Since supporting evidence is limited at this time, the clinical significance of this alteration remains unclear.

NM_058216.3(RAD51C):c.61C>G (p.Pro21Ala)

Gene: RAD51C (RAD51 paralog C; plus strand). Cytogenetic location: 17q22.
Variant type: single nucleotide variant.
Coding change: c.61C>G on transcript NM_058216.3 (MANE Select); coding-DNA position 61, C replaced by G.
Protein change: p.Pro21Ala; replaces proline 21 with alanine.
Molecular consequence: missense variant. On other transcripts: non-coding transcript variant (1).
Genome position (GRCh38, 1-based): chr17:58,692,704, C>G. VCF-style: chr17-58692704-C-G. GRCh37 (hg19) VCF-style: chr17-56770065-C-G.
Other names: c.61C>G, p.Pro21Ala (NM_002876.4); short protein forms P21A.
Identifiers: ClinVar variation 471447 (VCV000471447.14), dbSNP rs752608224, ClinGen allele CA8677134.